The following is an entry in ClinVar:

NM_201384.3(PLEC):c.12390G>A (p.Thr4130=)

Gene: PLEC (plectin; minus strand). Cytogenetic location: 8q24.3.
Variant type: single nucleotide variant.
Coding change: c.12390G>A on transcript NM_201384.3 (MANE Select); coding-DNA position 12390, G replaced by A.
Protein change: p.Thr4130=; no amino-acid change (threonine 4130 retained).
Molecular consequence: synonymous variant.
Genome position (GRCh38, 1-based): chr8:143,917,431, C>T on the plus strand (G>A on the coding strand, the complement: PLEC is on the minus strand). VCF-style: chr8-143917431-C-T. GRCh37 (hg19) VCF-style: chr8-144991599-C-T.
Other names: c.12471G>A, p.Thr4157= (NM_000445.5); c.12348G>A, p.Thr4116= (NM_201378.4); c.12324G>A, p.Thr4108= (NM_201379.3); c.12801G>A, p.Thr4267= (NM_201380.4); c.12294G>A, p.Thr4098= (NM_201381.3); c.12390G>A, p.Thr4130= (NM_201382.4); c.12402G>A, p.Thr4134= (NM_201383.3).
Identifiers: ClinVar variation 516656 (VCV000516656.16), dbSNP rs200575172, ClinGen allele CA4924097.

ClinVar aggregate classification (germline): Likely benign. Review status: criteria provided, multiple submitters, no conflicts (2 of 4 stars). 5 submissions from 5 submitters: Likely benign (4). 1 of the submissions does not count toward it. Last evaluated 2025-12-16.

Conditions:
PLEC-related disorder. Also called: PLEC-related disorders; PLEC-related condition.
Epidermolysis bullosa simplex, Ogna type (EBS5A). Also called: Pidermolysis bullosa simplex 5A, Ogna type; EPIDERMOLYSIS BULLOSA SIMPLEX 5A, OGNA TYPE. Identifiers: Orphanet 79401, MedGen C0432317, MONDO:0007555, OMIM 131950.
Epidermolysis bullosa simplex with nail dystrophy (EBS5D). Identifiers: MedGen C4225309, MONDO:0014661, OMIM 616487.
Epidermolysis bullosa simplex 5B, with muscular dystrophy (EBS5B). Also called: EPIDERMOLYSIS BULLOSA SIMPLEX AND LIMB-GIRDLE MUSCULAR DYSTROPHY; Epidermolysis bullosa simplex with muscular dystrophy. Identifiers: Orphanet 257, MedGen C2931072, MONDO:0009181, OMIM 226670.
Epidermolysis bullosa simplex 5C, with pyloric atresia (EBS5C). Also called: PLEC1-Related Epidermolysis Bullosa with Pyloric Atresia; Epidermolysis bullosa simplex with pyloric atresia; PLEC-Related Epidermolysis Bullosa with Pyloric Atresia. Identifiers: Orphanet 158684, MedGen C2677349, MONDO:0012807, OMIM 612138.
Autosomal recessive limb-girdle muscular dystrophy type 2Q (LGMDR17). Also called: MUSCULAR DYSTROPHY, LIMB-GIRDLE, AUTOSOMAL RECESSIVE 17. Identifiers: Orphanet 254361, MedGen C3150989, MONDO:0013390, OMIM 613723.

Allele frequency attached by ClinVar (database versions not stated): gnomAD exomes 0.00009; gnomAD 0.00010 and 0.00011; TOPMed 0.00011; ExAC 0.00012; 1000 Genomes Project 30x 0.00016; 1000 Genomes Project 0.00020.
gnomAD v4.1: 177 of 1,613,286 alleles (0.011%); highest among the groups gnomAD compares: Middle Eastern, 0.016%; no homozygotes.

Submissions (5):

Labcorp Genetics (formerly Invitae), Labcorp
Classification: Likely benign for Autosomal recessive limb-girdle muscular dystrophy type 2Q; Epidermolysis bullosa simplex, Ogna type; Epidermolysis bullosa simplex with nail dystrophy; Epidermolysis bullosa simplex 5C, with pyloric atresia; Epidermolysis bullosa simplex 5B, with muscular dystrophy. Last evaluated: 2025-12-16. Review status: criteria provided, single submitter. Criteria: Invitae Variant Classification Sherloc (09022015). Collection method: clinical testing. Allele origin: germline.

Blueprint Genetics
Classification: Likely benign. Last evaluated: 2024-11-21. Review status: criteria provided, single submitter. Criteria: ACMG Guidelines, 2015. Collection method: clinical testing. Allele origin: germline.

Athena Diagnostics
Classification: Likely benign. Last evaluated: 2018-11-06. Review status: criteria provided, single submitter. Criteria: Athena Diagnostics Criteria. Collection method: clinical testing. Allele origin: germline.

GeneDx
Classification: Likely benign. Last evaluated: 2017-09-12. Review status: criteria provided, single submitter. Criteria: GeneDx Variant Classification (06012015). Collection method: clinical testing. Allele origin: germline. Affected: yes.
Comment: This variant is considered likely benign or benign based on one or more of the following criteria: it is a conservative change, it occurs at a poorly conserved position in the protein, it is predicted to be benign by multiple in silico algorithms, and/or has population frequency not consistent with disease.

PreventionGenetics, part of Exact Sciences
Classification: Likely benign for PLEC-related condition. Last evaluated: 2024-02-07. Review status: no assertion criteria provided. Collection method: clinical testing. Allele origin: germline. Not counted in ClinVar's aggregate classification.
Comment: This variant is classified as likely benign based on ACMG/AMP sequence variant interpretation guidelines (Richards et al. 2015 PMID: 25741868, with internal and published modifications).